The following is an entry in ClinVar:

NM_030665.4(RAI1):c.3890C>T (p.Thr1297Ile)

Gene: RAI1 (retinoic acid induced 1; plus strand). Cytogenetic location: 17p11.2.
Variant type: single nucleotide variant.
Coding change: c.3890C>T on transcript NM_030665.4 (MANE Select); coding-DNA position 3890, C replaced by T.
Protein change: p.Thr1297Ile; replaces threonine 1297 with isoleucine.
Molecular consequence: missense variant.
Genome position (GRCh38, 1-based): chr17:17,796,838, C>T. VCF-style: chr17-17796838-C-T. GRCh37 (hg19) VCF-style: chr17-17700152-C-T.
Other names: short protein forms T1297I.
Identifiers: ClinVar variation 3710430 (VCV003710430.2).
Genomic context (GRCh38, chr17:17,796,838, plus strand): 5'-AGAAAGCCAAGCCCACCAAGGGCAATGGCGAGCCTGCCACAAAGCTCCCACCCCCGGAGA[C>T]CCCCGATGCCTGCCTCAAGCTCGCCTCTCGGGCAGCCTTCCAGGGGGCCATGAAGACCAA-3'
Protein context (NP_109590.3, residues 1287-1307): EPATKLPPPE[Thr1297Ile]PDACLKLASR

ClinVar aggregate classification (germline): Uncertain significance (1 of 4 stars; one submission).

gnomAD v4.1: 2 of 1,611,900 alleles (0.00012%); highest among the groups gnomAD compares: South Asian, 0.0011%; no homozygotes.

Submission:

Labcorp Genetics (formerly Invitae), Labcorp
Classification: Uncertain significance. Last evaluated: 2025-01-13. Review status: criteria provided, single submitter. Criteria: Invitae Variant Classification Sherloc (09022015). Collection method: clinical testing. Allele origin: germline.
Comment: This sequence change replaces threonine, which is neutral and polar, with isoleucine, which is neutral and non-polar, at codon 1297 of the RAI1 protein (p.Thr1297Ile). This variant is present in population databases (rs775110095, gnomAD 0.003%). This variant has not been reported in the literature in individuals affected with RAI1-related conditions. Invitae Evidence Modeling of protein sequence and biophysical properties (such as structural, functional, and spatial information, amino acid conservation, physicochemical variation, residue mobility, and thermodynamic stability) indicates that this missense variant is not expected to disrupt RAI1 protein function with a negative predictive value of 80%. In summary, the available evidence is currently insufficient to determine the role of this variant in disease. Therefore, it has been classified as a Variant of Uncertain Significance.